The following is an entry in ClinVar:

ClinVar aggregate classification (germline): Likely benign (1 of 4 stars; one submission).

Allele frequency attached by ClinVar (database versions not stated): TOPMed 0.00003; gnomAD 0.00035; gnomAD exomes 0.00050; ExAC 0.00119; 1000 Genomes Project 30x 0.00203; 1000 Genomes Project 0.00220.
gnomAD v4.1: 781 of 1,613,638 alleles (0.048%); highest among the groups gnomAD compares: South Asian, 0.8%; 10 homozygotes.

Submission:

CeGaT Center for Human Genetics Tuebingen
Classification: Likely benign. Last evaluated: 2023-03-01. Review status: criteria provided, single submitter. Criteria: CeGaT Center For Human Genetics Tuebingen Variant Classification Criteria Version 2. Collection method: clinical testing. Allele origin: germline. Affected: yes. Observed: 1 variant allele.
Comment: DPYSL2: BS2

NM_001197293.3(DPYSL2):c.1612A>G (p.Ile538Val)

Gene: DPYSL2 (dihydropyrimidinase like 2; plus strand). Cytogenetic location: 8p21.2.
Variant type: single nucleotide variant.
Coding change: c.1612A>G on transcript NM_001197293.3 (MANE Select); coding-DNA position 1612, A replaced by G.
Protein change: p.Ile538Val; replaces isoleucine 538 with valine.
Molecular consequence: missense variant.
Genome position (GRCh38, 1-based): chr8:26,652,272, A>G. VCF-style: chr8-26652272-A-G. GRCh37 (hg19) VCF-style: chr8-26509788-A-G.
Other names: c.1189A>G, p.Ile397Val (NM_001244604.2); c.1297A>G, p.Ile433Val (NM_001386.6); short protein forms I397V, I433V, I538V.
Identifiers: ClinVar variation 2658496 (VCV002658496.24), dbSNP rs548249708, ClinGen allele CA4686721.